The following is an entry in ClinVar:

NM_001754.5(RUNX1):c.1120G>A (p.Ala374Thr)

Gene: RUNX1 (RUNX family transcription factor 1; minus strand). Cytogenetic location: 21q22.12.
Variant type: single nucleotide variant.
Coding change: c.1120G>A on transcript NM_001754.5 (MANE Select); coding-DNA position 1120, G replaced by A.
Protein change: p.Ala374Thr; replaces alanine 374 with threonine.
Molecular consequence: missense variant.
Genome position (GRCh38, 1-based): chr21:34,792,458, C>T on the plus strand (G>A on the coding strand, the complement: RUNX1 is on the minus strand). VCF-style: chr21-34792458-C-T. GRCh37 (hg19) VCF-style: chr21-36164755-C-T.
Other names: NM_001754.5(RUNX1):c.1120G>A; p.Ala374Thr; c.1120G>A (NM_001754.4); c.1039G>A, p.Ala347Thr (NM_001001890.3); short protein forms A347T, A374T.
Identifiers: ClinVar variation 1014373 (VCV001014373.11), dbSNP rs1380391174, ClinGen allele CA410148053.

ClinVar aggregate classification (germline): Uncertain significance. Review status: reviewed by expert panel (3 of 4 stars). 3 submissions from 3 submitters: Uncertain significance (1). 2 of the submissions do not count toward it. Last evaluated 2024-09-16.

Conditions:
Inborn genetic diseases. Identifiers: MedGen C0950123, MeSH D030342.
Hereditary thrombocytopenia and hematological cancer predisposition syndrome associated with RUNX1. Also called: Familial Platelet Disorder with Propensity to Acute Myelogenous Leukemia; PLATELET DISORDER, ASPIRIN-LIKE; RUNX1 Familial Platelet Disorder with Associated Myeloid Malignancies; Familial thrombocytopenia with propensity to acute myelogenous leukemia. Identifiers: Orphanet 71290, MedGen C1832388, MeSH C563324, MONDO:0100083, OMIM 601399.
Hereditary thrombocytopenia and hematologic cancer predisposition syndrome. Identifiers: Orphanet 71290, MedGen CN281654, MONDO:0011071.

Allele frequency attached by ClinVar (database versions not stated): gnomAD exomes 0.00001.

Submissions (3):

ClinGen Myeloid Malignancy Variant Curation Expert Panel
Classification: Uncertain significance for Hereditary thrombocytopenia and hematologic cancer predisposition syndrome. Last evaluated: 2024-09-16. Review status: reviewed by expert panel. Criteria: ClinGen MyeloMalig ACMG Specifications v2. Collection method: curation. Allele origin: germline. Inheritance: Autosomal dominant inheritance.
Comment: NM_001754.5(RUNX1):c.1120G>A (p.Ala374Thr) is a missense variant which has a REVEL score < 0.50 (0.324), and a SpliceAI score ≤ 0.20 (0.0) (BP4). In summary, the clinical significance of this variant is uncertain. ACMG/AMP criteria applied, as specified by the Myeloid Malignancy Variant Curation Expert Panel for RUNX1: BP4.

Ambry Genetics
Classification: Uncertain significance for Inborn genetic diseases. Last evaluated: 2026-09-14. Review status: criteria provided, single submitter. Criteria: Ambry Variant Classification Scheme 2023. Collection method: clinical testing. Allele origin: germline. Not counted in ClinVar's aggregate classification.
Comment: The p.A374T variant (also known as c.1120G>A), located in coding exon 8 of the RUNX1 gene, results from a G to A substitution at nucleotide position 1120. The alanine at codon 374 is replaced by threonine, an amino acid with similar properties. This amino acid position is not well conserved in available vertebrate species. In addition, the in silico prediction for this alteration is inconclusive. Based on the available evidence, the clinical significance of this variant remains unclear.

Labcorp Genetics (formerly Invitae), Labcorp
Classification: Uncertain significance for Hereditary thrombocytopenia and hematological cancer predisposition syndrome associated with RUNX1. Last evaluated: 2021-03-09. Review status: criteria provided, single submitter. Criteria: Invitae Variant Classification Sherloc (09022015). Collection method: clinical testing. Allele origin: germline. Not counted in ClinVar's aggregate classification.
Comment: In summary, the available evidence is currently insufficient to determine the role of this variant in disease. Therefore, it has been classified as a Variant of Uncertain Significance. Algorithms developed to predict the effect of missense changes on protein structure and function (SIFT, PolyPhen-2, Align-GVGD) all suggest that this variant is likely to be tolerated, but these predictions have not been confirmed by published functional studies and their clinical significance is uncertain. This variant has not been reported in the literature in individuals with RUNX1-related conditions. This variant is not present in population databases (ExAC no frequency). This sequence change replaces alanine with threonine at codon 374 of the RUNX1 protein (p.Ala374Thr). The alanine residue is moderately conserved and there is a small physicochemical difference between alanine and threonine.